The following is an entry in ClinVar:

ClinVar aggregate classification (germline): Uncertain significance (1 of 4 stars; one submission).

gnomAD v4.1: 1 of 1,614,102 alleles (0.000062%); highest among the groups gnomAD compares: Non-Finnish European, 0.000085%; no homozygotes.

Submission:

GeneDx
Classification: Uncertain significance. Last evaluated: 2026-10-27. Review status: criteria provided, single submitter. Criteria: GeneDx Variant Classification Process June 2021. Collection method: clinical testing. Allele origin: germline.
Comment: Not observed at significant frequency in large population cohorts (gnomAD); In silico analysis supports that this missense variant has a deleterious effect on protein structure/function; Has not been previously published as pathogenic or benign to our knowledge

NM_006885.4(ZFHX3):c.2180G>T (p.Arg727Leu)

Gene: ZFHX3 (zinc finger homeobox 3; minus strand). Cytogenetic location: 16q22.3.
Variant type: single nucleotide variant.
Coding change: c.2180G>T on transcript NM_006885.4 (MANE Select); coding-DNA position 2180, G replaced by T.
Protein change: p.Arg727Leu; replaces arginine 727 with leucine.
Molecular consequence: missense variant. On other transcripts: intron variant (1).
Genome position (GRCh38, 1-based): chr16:72,957,966, C>A on the plus strand (G>T on the coding strand, the complement: ZFHX3 is on the minus strand). VCF-style: chr16-72957966-C-A. GRCh37 (hg19) VCF-style: chr16-72991865-C-A.
Other names: c.2180G>T, p.Arg727Leu (NM_001386735.1); c.-23-7001G>T (NM_001164766.2); short protein forms R727L.
Identifiers: ClinVar variation 5036935 (VCV005036935.1).